The following is an entry in ClinVar:

ClinVar aggregate classification (germline): Uncertain significance (1 of 4 stars; one submission).

Conditions:
Inborn genetic diseases. Identifiers: MedGen C0950123, MeSH D030342.

gnomAD v4.1: 2 of 1,613,708 alleles (0.00012%); highest among the groups gnomAD compares: Non-Finnish European, 0.00017%; no homozygotes.

Submission:

Ambry Genetics
Classification: Uncertain significance for Inborn genetic diseases. Last evaluated: 2024-12-08. Review status: criteria provided, single submitter. Criteria: Ambry Variant Classification Scheme 2023. Collection method: clinical testing. Allele origin: germline.
Comment: The p.N1113T variant (also known as c.3338A>C), located in coding exon 33 of the FANCA gene, results from an A to C substitution at nucleotide position 3338. The asparagine at codon 1113 is replaced by threonine, an amino acid with similar properties. This amino acid position is conserved. In addition, this alteration is predicted to be tolerated by in silico analysis. Based on the available evidence, the clinical significance of this variant remains unclear.

NM_000135.4(FANCA):c.3338A>C (p.Asn1113Thr)

Gene: FANCA (FA complementation group A; minus strand). Cytogenetic location: 16q24.3.
Variant type: single nucleotide variant.
Coding change: c.3338A>C on transcript NM_000135.4 (MANE Select); coding-DNA position 3338, A replaced by C.
Protein change: p.Asn1113Thr; replaces asparagine 1113 with threonine.
Molecular consequence: missense variant.
Genome position (GRCh38, 1-based): chr16:89,748,669, T>G on the plus strand (A>C on the coding strand, the complement: FANCA is on the minus strand). VCF-style: chr16-89748669-T-G. GRCh37 (hg19) VCF-style: chr16-89815077-T-G.
Other names: c.3338A>C, p.Asn1113Thr (NM_001286167.3); short protein forms N1113T.
Identifiers: ClinVar variation 3512727 (VCV003512727.1).